The following is an entry in ClinVar:

ClinVar aggregate classification (germline): Uncertain significance. Review status: criteria provided, multiple submitters, no conflicts (2 of 4 stars). 3 submissions from 3 submitters: Uncertain significance (3). Last evaluated 2025-06-10.

Conditions:
Hereditary cancer-predisposing syndrome. Also called: Hereditary neoplastic syndrome; Hereditary Cancer Syndrome; Tumor predisposition; Neoplastic Syndromes, Hereditary. Identifiers: Orphanet 140162, MedGen C0027672, MeSH D009386, MONDO:0015356.
Oligodontia-cancer predisposition syndrome. Also called: TOOTH AGENESIS-COLORECTAL CANCER SYNDROME. Identifiers: Orphanet 300576, MedGen C1837750, MONDO:0012075, OMIM 608615. Disease mechanism: loss of function.
Carcinoma of colon (CRC). Also called: Colon carcinoma; Colonic carcinoma. Identifiers: MedGen C0699790, MONDO:0002032.

Submissions (3):

Ambry Genetics
Classification: Uncertain significance for Hereditary cancer-predisposing syndrome. Last evaluated: 2025-06-10. Review status: criteria provided, single submitter. Criteria: Ambry Variant Classification Scheme 2023. Collection method: clinical testing. Allele origin: germline.
Comment: The p.N582D variant (also known as c.1744A>G), located in coding exon 6 of the AXIN2 gene, results from an A to G substitution at nucleotide position 1744. The asparagine at codon 582 is replaced by aspartic acid, an amino acid with highly similar properties. This amino acid position is conserved. In addition, this alteration is predicted to be tolerated by in silico analysis. Based on the available evidence, the clinical significance of this variant remains unclear.

Labcorp Genetics (formerly Invitae), Labcorp
Classification: Uncertain significance for Oligodontia-cancer predisposition syndrome. Last evaluated: 2023-04-07. Review status: criteria provided, single submitter. Criteria: Invitae Variant Classification Sherloc (09022015). Collection method: clinical testing. Allele origin: germline.
Comment: In summary, the available evidence is currently insufficient to determine the role of this variant in disease. Therefore, it has been classified as a Variant of Uncertain Significance. Advanced modeling of protein sequence and biophysical properties (such as structural, functional, and spatial information, amino acid conservation, physicochemical variation, residue mobility, and thermodynamic stability) performed at Invitae indicates that this missense variant is not expected to disrupt AXIN2 protein function. ClinVar contains an entry for this variant (Variation ID: 408838). This variant has not been reported in the literature in individuals affected with AXIN2-related conditions. This variant is not present in population databases (gnomAD no frequency). This sequence change replaces asparagine, which is neutral and polar, with aspartic acid, which is acidic and polar, at codon 582 of the AXIN2 protein (p.Asn582Asp).

Fulgent Genetics
Classification: Uncertain significance for Colorectal cancer; Oligodontia-cancer predisposition syndrome. Last evaluated: 2018-10-31. Review status: criteria provided, single submitter. Criteria: ACMG Guidelines, 2015. Collection method: clinical testing. Allele origin: unknown.

NM_004655.4(AXIN2):c.1744A>G (p.Asn582Asp)

Gene: AXIN2 (axin 2; minus strand). Cytogenetic location: 17q24.1.
Variant type: single nucleotide variant.
Coding change: c.1744A>G on transcript NM_004655.4 (MANE Select); coding-DNA position 1744, A replaced by G.
Protein change: p.Asn582Asp; replaces asparagine 582 with aspartic acid.
Molecular consequence: missense variant. On other transcripts: intron variant (1).
Genome position (GRCh38, 1-based): chr17:65,537,032, T>C on the plus strand (A>G on the coding strand, the complement: AXIN2 is on the minus strand). VCF-style: chr17-65537032-T-C. GRCh37 (hg19) VCF-style: chr17-63533150-T-C.
Other names: c.1744A>G (LRG_296t1); c.1712+292A>G (NM_001363813.1); short protein forms N582D.
Identifiers: ClinVar variation 408838 (VCV000408838.11), dbSNP rs567511335, ClinGen allele CA16615908.